The following is an entry in ClinVar:

NM_001364716.4(MPRIP):c.2517+6G>A

Gene: MPRIP (myosin phosphatase Rho interacting protein; plus strand). Cytogenetic location: 17p11.2.
Variant type: single nucleotide variant.
Coding change: c.2517+6G>A on transcript NM_001364716.4 (MANE Select); 6 bases into the intron after coding-DNA position 2517, G replaced by A.
Molecular consequence: intron variant.
Genome position (GRCh38, 1-based): chr17:17,161,362, G>A. VCF-style: chr17-17161362-G-A. GRCh37 (hg19) VCF-style: chr17-17064676-G-A.
Other names: c.2163+6G>A (NM_201274.4, NM_015134.4).
Identifiers: ClinVar variation 2672690 (VCV002672690.23), dbSNP rs771638982, ClinGen allele CA288311136.
Genomic context (GRCh38, chr17:17,161,362, plus strand): 5'-GCTGAGGGTGGCCCTGGGCCGGGAGCAGAGCGCCCGTGAGGGCTACGTGCTGCAGGTAGG[G>A]TGGAGGGGCTGCTGTGGCCCATGGTGCGCTCAGGAGCTTCAGTGTGAAGGGTTCATGCTC-3'

ClinVar aggregate classification (germline): Uncertain significance (1 of 4 stars; one submission).

Allele frequency attached by ClinVar (database versions not stated): TOPMed below 0.00001; gnomAD exomes 0.00001.
gnomAD v4.1: 13 of 1,562,200 alleles (0.00083%); highest among the groups gnomAD compares: Non-Finnish European, 0.0011%; no homozygotes.

Submission:

CeGaT Center for Human Genetics Tuebingen
Classification: Uncertain significance. Last evaluated: 2023-11-01. Review status: criteria provided, single submitter. Criteria: CeGaT Center For Human Genetics Tuebingen Variant Classification Criteria Version 2. Collection method: clinical testing. Allele origin: germline. Affected: yes. Observed: 1 variant allele.
Comment: MPRIP: PM2, BP4